The following is an entry in ClinVar:

ClinVar aggregate classification (germline): Uncertain significance (1 of 4 stars; one submission).

Allele frequency attached by ClinVar (database versions not stated): gnomAD exomes 0.00001.
gnomAD v4.1: 8 of 1,211,647 alleles (0.00066%); highest among the groups gnomAD compares: Non-Finnish European, 0.00078%; no homozygotes.

Submission:

GeneDx
Classification: Uncertain significance. Last evaluated: 2025-06-11. Review status: criteria provided, single submitter. Criteria: GeneDx Variant Classification Process June 2021. Collection method: clinical testing. Allele origin: germline. Affected: yes.
Comment: In silico analysis suggests that this missense variant does not alter protein structure/function; Not observed at significant frequency in large population cohorts (gnomAD); This variant is associated with the following publications: (PMID: 33144681)

NM_001008537.3(NEXMIF):c.1556A>T (p.Asp519Val)

Gene: NEXMIF (neurite extension and migration factor; minus strand). Cytogenetic location: Xq13.3.
Variant type: single nucleotide variant.
Coding change: c.1556A>T on transcript NM_001008537.3 (MANE Select); coding-DNA position 1556, A replaced by T.
Protein change: p.Asp519Val; replaces aspartic acid 519 with valine.
Molecular consequence: missense variant.
Genome position (GRCh38, 1-based): chrX:74,743,001, T>A on the plus strand (A>T on the coding strand, the complement: NEXMIF is on the minus strand). VCF-style: chrX-74743001-T-A. GRCh37 (hg19) VCF-style: chrX-73962836-T-A.
Other names: short protein forms D519V.
Identifiers: ClinVar variation 452369 (VCV000452369.3), dbSNP rs1556016638, ClinGen allele CA413670235.
Genomic context (GRCh38, chrX:74,743,001, plus strand): 5'-ATAACAGGGGGCTCCTTACGGGTTACTTTTCTTCTCTTTTTGGGACACCATTCATCATCA[T>A]CTTCCTCTTTGGAACCAACTGGCAGCCATTCCTTCCTCTCATTTACTTTTTCACCCTCTA-3'
Protein context (NP_001008537.1, residues 509-529): EWLPVGSKEE[Asp519Val]DDEWCPKKRR